The following is an entry in ClinVar:

ClinVar aggregate classification (germline): Benign/Likely benign. Review status: criteria provided, multiple submitters, no conflicts (2 of 4 stars). 4 submissions from 4 submitters: Benign (1); Likely benign (2). 1 of the submissions does not count toward it. Last evaluated 2026-01-14.

Conditions:
ATM-related disorder. Also called: ATM-related disorders; ATM-related condition.
Hereditary cancer-predisposing syndrome. Also called: Hereditary Cancer Syndrome; Neoplastic Syndromes, Hereditary; Hereditary neoplastic syndrome; Tumor predisposition. Identifiers: Orphanet 140162, MedGen C0027672, MeSH D009386, MONDO:0015356.
Familial cancer of breast. Also called: Hereditary breast cancer; hereditary breast carcinoma; BREAST CANCER, FAMILIAL. Identifiers: Orphanet 227535, MedGen C0346153, MONDO:0016419, OMIM 114480. Disease mechanism: loss of function.
Ataxia-telangiectasia syndrome (AT). Also called: Cerebello-oculocutaneous telangiectasia; Immunodeficiency with ataxia telangiectasia; Ataxia-telangiectasia, complementation group E; Ataxia-telangiectasia, complementation group D; AT, COMPLEMENTATION GROUP C; ATAXIA-TELANGIECTASIA, COMPLEMENTATION GROUP A. Identifiers: Orphanet 100, MedGen C0004135, MONDO:0008840, OMIM 208900.

Submissions (4):

Labcorp Genetics (formerly Invitae), Labcorp
Classification: Likely benign for Ataxia-telangiectasia syndrome. Last evaluated: 2026-01-14. Review status: criteria provided, single submitter. Criteria: Invitae Variant Classification Sherloc (09022015). Collection method: clinical testing. Allele origin: germline.

Myriad Genetics, Inc.
Classification: Benign for Familial cancer of breast. Last evaluated: 2024-05-10. Review status: criteria provided, single submitter. Criteria: Myriad Autosomal Dominant, Autosomal Recessive and X-Linked Classification Criteria (2023). Collection method: clinical testing. Allele origin: unknown.
Comment: This variant is considered benign. This variant is a silent/synonymous amino acid change and it is not expected to impact splicing.

Ambry Genetics
Classification: Likely benign for Hereditary cancer-predisposing syndrome. Last evaluated: 2019-04-29. Review status: criteria provided, single submitter. Criteria: Ambry Variant Classification Scheme 2023. Collection method: clinical testing. Allele origin: germline.

PreventionGenetics, part of Exact Sciences
Classification: Likely benign for ATM-related condition. Last evaluated: 2019-05-22. Review status: no assertion criteria provided. Collection method: clinical testing. Allele origin: germline. Not counted in ClinVar's aggregate classification.
Comment: This variant is classified as likely benign based on ACMG/AMP sequence variant interpretation guidelines (Richards et al. 2015 PMID: 25741868, with internal and published modifications).

NM_000051.4(ATM):c.2739C>T (p.Thr913=)

Gene: ATM (ATM serine/threonine kinase; plus strand). Cytogenetic location: 11q22.3.
Variant type: single nucleotide variant.
Coding change: c.2739C>T on transcript NM_000051.4 (MANE Select); coding-DNA position 2739, C replaced by T.
Protein change: p.Thr913=; no amino-acid change (threonine 913 retained).
Molecular consequence: synonymous variant.
Genome position (GRCh38, 1-based): chr11:108,268,510, C>T. VCF-style: chr11-108268510-C-T. GRCh37 (hg19) VCF-style: chr11-108139237-C-T.
Other names: c.2739C>T, p.Thr913= (NM_001351834.2).
Identifiers: ClinVar variation 821744 (VCV000821744.16), dbSNP rs1555083293, ClinGen allele CA476673894.
Genomic context (GRCh38, chr11:108,268,510, plus strand): 5'-AGATCTACTTTTCTTAGACATGCTCAAGTTCTTGTGTTTGTGTGTAACTACTGCTCAGAC[C>T]AATACTGTGTCCTTTAGGGCAGCTGATATTCGGAGGAAATTGTTAATGTTAATTGATTCT-3'
Protein context (NP_000042.3, residues 903-923): FLCLCVTTAQ[Thr913=]NTVSFRAADI